The following is an entry in ClinVar:

NM_152722.5(HEPACAM):c.428-7G>A

Gene: HEPACAM (hepatic and glial cell adhesion molecule; minus strand). Cytogenetic location: 11q24.2.
Variant type: single nucleotide variant.
Coding change: c.428-7G>A on transcript NM_152722.5 (MANE Select); 7 bases into the intron before coding-DNA position 428, G replaced by A.
Molecular consequence: intron variant.
Genome position (GRCh38, 1-based): chr11:124,924,017, C>T on the plus strand (G>A on the coding strand, the complement: HEPACAM is on the minus strand). VCF-style: chr11-124924017-C-T. GRCh37 (hg19) VCF-style: chr11-124793913-C-T.
Identifiers: ClinVar variation 2428864 (VCV002428864.3), dbSNP rs1329449658, ClinGen allele CA602583868.

ClinVar aggregate classification (germline): Uncertain significance (1 of 4 stars; one submission).

Allele frequency attached by ClinVar (database versions not stated): gnomAD exomes below 0.00001.
gnomAD v4.1: 3 of 1,605,090 alleles (0.00019%); highest among the groups gnomAD compares: Admixed American, 0.0017%; no homozygotes.

Submission:

GeneDx
Classification: Uncertain significance. Last evaluated: 2022-08-06. Review status: criteria provided, single submitter. Criteria: GeneDx Variant Classification Process June 2021. Collection method: clinical testing. Allele origin: germline. Affected: yes.
Comment: Not observed at significant frequency in large population cohorts (gnomAD); In silico analysis supports a deleterious effect on splicing; Has not been previously published as pathogenic or benign to our knowledge